The following is an entry in ClinVar:

ClinVar aggregate classification (germline): Likely benign (1 of 4 stars; one submission).

Allele frequency attached by ClinVar (database versions not stated): 1000 Genomes Project 30x 0.01889; 1000 Genomes Project 0.01977; gnomAD exomes 0.02140; gnomAD 0.02469 and 0.02624; TOPMed 0.02533.
gnomAD v4.1: 19,487 of 883,938 alleles (2.2%); highest among the groups gnomAD compares: African/African-American, 3.7%; 260 homozygotes.

Submission:

GeneDx
Classification: Likely benign. Last evaluated: 2018-06-14. Review status: criteria provided, single submitter. Criteria: GeneDx Variant Classification (06012015). Collection method: clinical testing. Allele origin: germline. Affected: yes.
Comment: This variant is considered likely benign or benign based on one or more of the following criteria: it is a conservative change, it occurs at a poorly conserved position in the protein, it is predicted to be benign by multiple in silico algorithms, and/or has population frequency not consistent with disease.

NM_000393.5(COL5A2):c.4354-137T>C

Gene: COL5A2 (collagen type V alpha 2 chain; minus strand). Cytogenetic location: 2q32.2.
Variant type: single nucleotide variant.
Coding change: c.4354-137T>C on transcript NM_000393.5 (MANE Select); 137 bases into the intron before coding-DNA position 4354, T replaced by C.
Molecular consequence: intron variant.
Genome position (GRCh38, 1-based): chr2:189,034,353, A>G on the plus strand (T>C on the coding strand, the complement: COL5A2 is on the minus strand). VCF-style: chr2-189034353-A-G. GRCh37 (hg19) VCF-style: chr2-189899079-A-G.
Identifiers: ClinVar variation 675290 (VCV000675290.1), dbSNP rs56339059, ClinGen allele CA62580656.